The following is an entry in ClinVar:

NM_024312.5(GNPTAB):c.25C>T (p.Gln9Ter)

Gene: GNPTAB (N-acetylglucosamine-1-phosphate transferase subunits alpha and beta; minus strand). Cytogenetic location: 12q23.2.
Variant type: single nucleotide variant.
Coding change: c.25C>T on transcript NM_024312.5 (MANE Select); coding-DNA position 25, C replaced by T.
Protein change: p.Gln9Ter; replaces glutamine 9 with a stop codon.
Molecular consequence: nonsense.
Genome position (GRCh38, 1-based): chr12:101,830,651, G>A on the plus strand (C>T on the coding strand, the complement: GNPTAB is on the minus strand). VCF-style: chr12-101830651-G-A. GRCh37 (hg19) VCF-style: chr12-102224429-G-A.
Other names: short protein forms Q9*.
Identifiers: ClinVar variation 1454152 (VCV001454152.7), dbSNP rs1871323854, ClinGen allele CA386487061.

ClinVar aggregate classification (germline): Pathogenic. Review status: criteria provided, multiple submitters, no conflicts (2 of 4 stars). 2 submissions from 2 submitters: Pathogenic (2). Last evaluated 2026-06-18.

Conditions:
Mucolipidosis type II. Also called: Mucolipidosis 2; ML 2; Inclusion cell disease; Leroy Disease; N-acetylglucosamine 1phosphotransferase deficiency; ML disorder type 2. Identifiers: Orphanet 576, MedGen C2673377, MONDO:0009650, OMIM 252500.
Pseudo-Hurler polydystrophy. Also called: ML IIIA; Type III Mucolipidosis; Mucolipidosis III Alpha/Beta; ML III; ML III ALPHA/BETA; MUCOLIPIDOSIS IIIA. Identifiers: Orphanet 423461, Orphanet 577, MedGen C0033788, MONDO:0018931, OMIM 252600.
GNPTAB-mucolipidosis. Also called: UDP-N-acetylglucosamine-1-phosphotransferase subunit alpha/beta deficiency. Identifiers: MedGen CN322573, MONDO:0100122.

gnomAD v4.1: 1 of 1,609,838 alleles (0.000062%); highest among the groups gnomAD compares: Non-Finnish European, 0.000085%; no homozygotes.

Submissions (2):

Myriad Genetics, Inc.
Classification: Pathogenic for GNPTAB-mucolipidosis. Last evaluated: 2026-06-18. Review status: criteria provided, single submitter. Criteria: Myriad Autosomal Dominant, Autosomal Recessive and X-Linked Classification Criteria (2023). Collection method: clinical testing. Allele origin: unknown.
Comment: NM_024312.4(GNPTAB):c.25C>T(Q9*) is a nonsense variant classified as pathogenic in the context of GNPTAB-related disorders. Q9* has been observed in a case with relevant disease (PMID: 32238606). Relevant functional assessments of this variant are not available in the literature. Q9* has not been observed in referenced population frequency databases. . Please note: this variant was assessed in the context of healthy population screening.

Labcorp Genetics (formerly Invitae), Labcorp
Classification: Pathogenic for Pseudo-Hurler polydystrophy; Mucolipidosis type II. Last evaluated: 2021-04-02. Review status: criteria provided, single submitter. Criteria: Invitae Variant Classification Sherloc (09022015). Collection method: clinical testing. Allele origin: germline.
Comment: For these reasons, this variant has been classified as Pathogenic. This variant has not been reported in the literature in individuals with GNPTAB-related conditions. This variant is not present in population databases (ExAC no frequency). This sequence change creates a premature translational stop signal (p.Gln9*) in the GNPTAB gene. It is expected to result in an absent or disrupted protein product. Loss-of-function variants in GNPTAB are known to be pathogenic (PMID: 19617216, 25107912).

Literature cited by the submitters: PubMed 32238606 (cited by Myriad Genetics, Inc.); PubMed 19617216 (cited by Labcorp Genetics (formerly Invitae), Labcorp); PubMed 25107912 (cited by Labcorp Genetics (formerly Invitae), Labcorp).